The following is an entry in ClinVar:

NM_033380.3(COL4A5):c.3960G>A (p.Pro1320=)

Gene: COL4A5 (collagen type IV alpha 5 chain; plus strand). Cytogenetic location: Xq22.3.
Variant type: single nucleotide variant.
Coding change: c.3960G>A on transcript NM_033380.3 (MANE Select); coding-DNA position 3960, G replaced by A.
Protein change: p.Pro1320=; no amino-acid change (proline 1320 retained).
Molecular consequence: synonymous variant.
Genome position (GRCh38, 1-based): chrX:108,680,696, G>A. VCF-style: chrX-108680696-G-A. GRCh37 (hg19) VCF-style: chrX-107923926-G-A.
Other names: c.3942G>A, p.Pro1314= (NM_000495.5).
Identifiers: ClinVar variation 767422 (VCV000767422.15), dbSNP rs752288966, ClinGen allele CA10489255.
Genomic context (GRCh38, chrX:108,680,696, plus strand): 5'-TCGCTGCAATTTTTTTGTAACATTAATGATTTTATTTATTCAGGGTAATCCTGGCCGGCC[G>A]GGTCTCAATGGAATGAAAGGAGATCCTGGTCTCCCTGGTGTTCCAGGATTCCCAGGTATT-3'
Protein context (NP_203699.1, residues 1310-1330): PPGLQGNPGR[Pro1320=]GLNGMKGDPG

ClinVar aggregate classification (germline): Benign/Likely benign. Review status: criteria provided, multiple submitters, no conflicts (2 of 4 stars). 4 submissions from 4 submitters: Benign (1); Likely benign (2). 1 of the submissions does not count toward it. Last evaluated 2025-12-01.

Conditions:
COL4A5-related disorder. Also called: COL4A5-related condition.

Allele frequency attached by ClinVar (database versions not stated): gnomAD 0.00006 and 0.00007; gnomAD exomes 0.00006 and 0.00029; TOPMed 0.00012; ExAC 0.00023.
gnomAD v4.1: 71 of 1,207,592 alleles (0.0059%); highest among the groups gnomAD compares: Admixed American, 0.14%; 1 homozygote.

Submissions (4):

Labcorp Genetics (formerly Invitae), Labcorp
Classification: Benign. Last evaluated: 2025-12-01. Review status: criteria provided, single submitter. Criteria: Invitae Variant Classification Sherloc (09022015). Collection method: clinical testing. Allele origin: germline.

Blueprint Genetics
Classification: Likely benign. Last evaluated: 2023-06-05. Review status: criteria provided, single submitter. Criteria: ACMG Guidelines, 2015. Collection method: clinical testing. Allele origin: germline.

GeneDx
Classification: Likely benign. Last evaluated: 2021-06-19. Review status: criteria provided, single submitter. Criteria: GeneDx Variant Classification Process June 2021. Collection method: clinical testing. Allele origin: germline. Affected: yes.

PreventionGenetics, part of Exact Sciences
Classification: Likely benign for COL4A5-related condition. Last evaluated: 2021-12-31. Review status: no assertion criteria provided. Collection method: clinical testing. Allele origin: germline. Not counted in ClinVar's aggregate classification.
Comment: This variant is classified as likely benign based on ACMG/AMP sequence variant interpretation guidelines (Richards et al. 2015 PMID: 25741868, with internal and published modifications).